The following is an entry in ClinVar:

NM_007194.4(CHEK2):c.1418del (p.Ala473fs)

Gene: CHEK2 (checkpoint kinase 2; minus strand). Cytogenetic location: 22q12.1.
Variant type: Deletion.
Coding change: c.1418del on transcript NM_007194.4 (MANE Select); coding-DNA position 1418, one base deleted (C; older notation c.1418delC).
Protein change: p.Ala473fs; shifts the reading frame from alanine 473.
Molecular consequence: frameshift variant.
Genome position (GRCh38, 1-based): chr22:28,694,075, G deleted on the plus strand (C on the coding strand, the reverse complement: CHEK2 is on the minus strand). VCF-style (leftmost placement, unchanged base first): chr22-28694074-TG-T. GRCh37 (hg19) VCF-style: chr22-29090062-TG-T.
Other names: c.1547delC, p.Ala516Aspfs (NM_001005735.3); c.755delC, p.Ala252Aspfs (NM_001257387.3); c.1217delC, p.Ala406Aspfs (NM_001349956.3); c.1331delC, p.Ala444Aspfs (NM_145862.3); short protein forms A252fs, A473fs, A516fs, A406fs, A444fs.
Identifiers: ClinVar variation 3832925 (VCV003832925.1).

ClinVar aggregate classification (germline): Pathogenic (1 of 4 stars; one submission).

Conditions:
Hereditary cancer-predisposing syndrome. Also called: Hereditary neoplastic syndrome; Neoplastic Syndromes, Hereditary; Tumor predisposition; Hereditary Cancer Syndrome. Identifiers: Orphanet 140162, MedGen C0027672, MeSH D009386, MONDO:0015356.

Submission:

Ambry Genetics
Classification: Pathogenic for Hereditary cancer-predisposing syndrome. Last evaluated: 2024-12-19. Review status: criteria provided, single submitter. Criteria: Ambry Variant Classification Scheme 2023. Collection method: clinical testing. Allele origin: germline.
Comment: The c.1418delC pathogenic mutation, located in coding exon 12 of the CHEK2 gene, results from a deletion of one nucleotide at nucleotide position 1418, causing a translational frameshift with a predicted alternate stop codon (p.A473Dfs*9). This variant is considered to be rare based on population cohorts in the Genome Aggregation Database (gnomAD). This alteration is expected to result in loss of function by premature protein truncation or nonsense-mediated mRNA decay. As such, this alteration is interpreted as a disease-causing mutation.